The following is an entry in ClinVar:

ClinVar aggregate classification (germline): Uncertain significance (1 of 4 stars; one submission).

Submission:

Labcorp Genetics (formerly Invitae), Labcorp
Classification: Uncertain significance. Last evaluated: 2024-10-23. Review status: criteria provided, single submitter. Criteria: Invitae Variant Classification Sherloc (09022015). Collection method: clinical testing. Allele origin: germline.
Comment: This sequence change replaces alanine, which is neutral and non-polar, with threonine, which is neutral and polar, at codon 174 of the HIKESHI protein (p.Ala174Thr). This variant is not present in population databases (gnomAD no frequency). This variant has not been reported in the literature in individuals affected with HIKESHI-related conditions. ClinVar contains an entry for this variant (Variation ID: 1474666). An algorithm developed to predict the effect of missense changes on protein structure and function (PolyPhen-2) suggests that this variant is likely to be tolerated. In summary, the available evidence is currently insufficient to determine the role of this variant in disease. Therefore, it has been classified as a Variant of Uncertain Significance.

NM_016401.4(HIKESHI):c.520G>A (p.Ala174Thr)

Gene: HIKESHI (heat shock protein nuclear import factor hikeshi; plus strand). Cytogenetic location: 11q14.2.
Variant type: single nucleotide variant.
Coding change: c.520G>A on transcript NM_016401.4 (MANE Select); coding-DNA position 520, G replaced by A.
Protein change: p.Ala174Thr; replaces alanine 174 with threonine.
Molecular consequence: missense variant. On other transcripts: non-coding transcript variant (3).
Genome position (GRCh38, 1-based): chr11:86,344,702, G>A. VCF-style: chr11-86344702-G-A. GRCh37 (hg19) VCF-style: chr11-86055744-G-A.
Other names: c.460G>A, p.Ala154Thr (NM_001322404.2); c.403G>A, p.Ala135Thr (NM_001322407.2, NM_001322409.2); short protein forms A174T, A135T, A154T.
Identifiers: ClinVar variation 1474666 (VCV001474666.8), dbSNP rs2138440037, ClinGen allele CA382011805.